The following is an entry in ClinVar:

NM_177438.3(DICER1):c.1786A>G (p.Thr596Ala)

Gene: DICER1 (dicer 1, ribonuclease III; minus strand). Cytogenetic location: 14q32.13.
Variant type: single nucleotide variant.
Coding change: c.1786A>G on transcript NM_177438.3 (MANE Select); coding-DNA position 1786, A replaced by G.
Protein change: p.Thr596Ala; replaces threonine 596 with alanine.
Molecular consequence: missense variant.
Genome position (GRCh38, 1-based): chr14:95,115,788, T>C on the plus strand (A>G on the coding strand, the complement: DICER1 is on the minus strand). VCF-style: chr14-95115788-T-C. GRCh37 (hg19) VCF-style: chr14-95582125-T-C.
Other names: c.1786A>G, p.Thr596Ala (NM_001195573.1, NM_001271282.3, NM_001291628.2 and 1 more transcripts); short protein forms T596A.
Identifiers: ClinVar variation 854644 (VCV000854644.11), dbSNP rs1892394593, ClinGen allele CA390884133.
Genomic context (GRCh38, chr14:95,115,788, plus strand): 5'-ACACATATGGTGGGAAAACGTCATCATCATCCATGACAGGATCAATGTCAGTCTCACCAG[T>C]ATCAACCGACTTGGAACACTTGTTTCTCAAGATCTGAACATTTAAAAAACAGAACTTATG-3'
Protein context (NP_803187.1, residues 586-606): LRNKCSKSVD[Thr596Ala]GETDIDPVMD

ClinVar aggregate classification (germline): Uncertain significance. Review status: criteria provided, multiple submitters, no conflicts (2 of 4 stars). 2 submissions from 2 submitters: Uncertain significance (2). Last evaluated 2024-06-25.

Conditions:
Hereditary cancer-predisposing syndrome. Also called: Hereditary neoplastic syndrome; Tumor predisposition; Neoplastic Syndromes, Hereditary; Hereditary Cancer Syndrome. Identifiers: Orphanet 140162, MedGen C0027672, MeSH D009386, MONDO:0015356.
DICER1-related tumor predisposition. Also called: DICER1 syndrome; DICER1-related pleuropulmonary blastoma cancer predisposition syndrome. Identifiers: Orphanet 284343, MedGen C3839822, MONDO:0100216.

Allele frequency attached by ClinVar (database versions not stated): gnomAD exomes below 0.00001.
gnomAD v4.1: 2 of 1,614,184 alleles (0.00012%); highest among the groups gnomAD compares: Non-Finnish European, 0.00017%; no homozygotes.

Submissions (2):

Labcorp Genetics (formerly Invitae), Labcorp
Classification: Uncertain significance for DICER1-related tumor predisposition. Last evaluated: 2024-06-25. Review status: criteria provided, single submitter. Criteria: Invitae Variant Classification Sherloc (09022015). Collection method: clinical testing. Allele origin: germline.
Comment: This sequence change replaces threonine, which is neutral and polar, with alanine, which is neutral and non-polar, at codon 596 of the DICER1 protein (p.Thr596Ala). This variant is not present in population databases (gnomAD no frequency). This variant has not been reported in the literature in individuals affected with DICER1-related conditions. ClinVar contains an entry for this variant (Variation ID: 854644). Advanced modeling of protein sequence and biophysical properties (such as structural, functional, and spatial information, amino acid conservation, physicochemical variation, residue mobility, and thermodynamic stability) performed at Invitae indicates that this missense variant is not expected to disrupt DICER1 protein function with a negative predictive value of 80%. In summary, the available evidence is currently insufficient to determine the role of this variant in disease. Therefore, it has been classified as a Variant of Uncertain Significance.

Ambry Genetics
Classification: Uncertain significance for Hereditary cancer-predisposing syndrome. Last evaluated: 2024-03-12. Review status: criteria provided, single submitter. Criteria: Ambry Variant Classification Scheme 2023. Collection method: clinical testing. Allele origin: germline.
Comment: The p.T596A variant (also known as c.1786A>G), located in coding exon 10 of the DICER1 gene, results from an A to G substitution at nucleotide position 1786. The threonine at codon 596 is replaced by alanine, an amino acid with similar properties. This amino acid position is conserved. In addition, this alteration is predicted to be tolerated by in silico analysis. Based on the available evidence, the clinical significance of this alteration remains unclear.